The following is an entry in ClinVar:

NM_001429.4(EP300):c.4735G>T (p.Asp1579Tyr)

Gene: EP300 (EP300 lysine acetyltransferase; plus strand). Cytogenetic location: 22q13.2.
Variant type: single nucleotide variant.
Coding change: c.4735G>T on transcript NM_001429.4 (MANE Select); coding-DNA position 4735, G replaced by T.
Protein change: p.Asp1579Tyr; replaces aspartic acid 1579 with tyrosine.
Molecular consequence: missense variant.
Genome position (GRCh38, 1-based): chr22:41,173,740, G>T. VCF-style: chr22-41173740-G-T. GRCh37 (hg19) VCF-style: chr22-41569744-G-T.
Other names: c.4657G>T, p.Asp1553Tyr (NM_001362843.2); short protein forms D1579Y, D1553Y.
Identifiers: ClinVar variation 2750232 (VCV002750232.3), dbSNP rs760998327, ClinGen allele CA411705331.
Genomic context (GRCh38, chr22:41,173,740, plus strand): 5'-AATAAGAGCAGCCTGAGTAGGGGCAACAAGAAGAAACCCGGGATGCCCAATGTATCTAAC[G>T]ACCTCTCACAGAAACTATATGCCACCATGGAGAAGCATAAAGAGGTAAGATGCAGCCACC-3'
Protein context (NP_001420.2, residues 1569-1589): KKPGMPNVSN[Asp1579Tyr]LSQKLYATME

ClinVar aggregate classification (germline): Uncertain significance (1 of 4 stars; one submission).

Conditions:
Rubinstein-Taybi syndrome due to EP300 haploinsufficiency. Also called: EP300-Related Rubinstein-Taybi Syndrome; RUBINSTEIN-TAYBI SYNDROME 2. Identifiers: Orphanet 353284, Orphanet 783, MedGen C3150941, MONDO:0013364, OMIM 613684.

Submission:

Labcorp Genetics (formerly Invitae), Labcorp
Classification: Uncertain significance for Rubinstein-Taybi syndrome due to EP300 haploinsufficiency. Last evaluated: 2023-08-04. Review status: criteria provided, single submitter. Criteria: Invitae Variant Classification Sherloc (09022015). Collection method: clinical testing. Allele origin: germline.
Comment: This variant is not present in population databases (gnomAD no frequency). In summary, the available evidence is currently insufficient to determine the role of this variant in disease. Therefore, it has been classified as a Variant of Uncertain Significance. Advanced modeling of protein sequence and biophysical properties (such as structural, functional, and spatial information, amino acid conservation, physicochemical variation, residue mobility, and thermodynamic stability) performed at Invitae indicates that this missense variant is expected to disrupt EP300 protein function. This variant has not been reported in the literature in individuals affected with EP300-related conditions. This sequence change replaces aspartic acid, which is acidic and polar, with tyrosine, which is neutral and polar, at codon 1579 of the EP300 protein (p.Asp1579Tyr).